The following is an entry in ClinVar:

NM_001845.6(COL4A1):c.494A>G (p.His165Arg)

Gene: COL4A1 (collagen type IV alpha 1 chain; minus strand). Cytogenetic location: 13q34.
Variant type: single nucleotide variant.
Coding change: c.494A>G on transcript NM_001845.6 (MANE Select); coding-DNA position 494, A replaced by G.
Protein change: p.His165Arg; replaces histidine 165 with arginine.
Molecular consequence: missense variant.
Genome position (GRCh38, 1-based): chr13:110,210,187, T>C on the plus strand (A>G on the coding strand, the complement: COL4A1 is on the minus strand). VCF-style: chr13-110210187-T-C. GRCh37 (hg19) VCF-style: chr13-110862534-T-C.
Other names: c.494A>G (NM_001845.5); c.494A>G, p.His165Arg (NM_001303110.2); short protein forms H165R.
Identifiers: ClinVar variation 882588 (VCV000882588.17), dbSNP rs200805263, ClinGen allele CA7048477.

ClinVar aggregate classification (germline): Benign/Likely benign. Review status: criteria provided, multiple submitters, no conflicts (2 of 4 stars). 5 submissions from 4 submitters: Benign (3); Likely benign (2). Last evaluated 2025-12-11.

Conditions:
Autosomal dominant familial hematuria-retinal arteriolar tortuosity-contractures syndrome. Also called: Hereditary Angiopathy with Nephropathy, Aneurysms, and Muscle Cramps (HANAC) Syndrome; Angiopathy, hereditary, with nephropathy, aneurysms, and muscle cramps. Identifiers: Orphanet 73229, MedGen C2673195, MONDO:0012726, OMIM 611773.
Brain small vessel disease 1 with or without ocular anomalies (BSVD1). Also called: GOULD SYNDROME 1; Brain small vessel disease with or without ocular anomalies; BRAIN SMALL VESSEL DISEASE WITH HEMORRHAGE; PORENCEPHALY, TYPE 1, AUTOSOMAL DOMINANT. Identifiers: Orphanet 2940, Orphanet 36383, Orphanet 99810, MedGen C4755307, MONDO:0008289, OMIM 175780.
COL4A1-related disorder. Also called: COL4A1-related condition; COL4A1-related disorders. Identifiers: MedGen CN376119, MONDO:0800461.

Allele frequency attached by ClinVar (database versions not stated): gnomAD below 0.00001 and 0.00013; TOPMed 0.00003; gnomAD exomes 0.00029 and 0.00051; ExAC 0.00065; 1000 Genomes Project 30x 0.00094; 1000 Genomes Project 0.00120.
gnomAD v4.1: 445 of 1,613,800 alleles (0.028%); highest among the groups gnomAD compares: South Asian, 0.46%; 6 homozygotes.

Submissions (5):

Labcorp Genetics (formerly Invitae), Labcorp
Classification: Benign. Last evaluated: 2025-12-11. Review status: criteria provided, single submitter. Criteria: Invitae Variant Classification Sherloc (09022015). Collection method: clinical testing. Allele origin: germline.

PreventionGenetics, part of Exact Sciences
Classification: Likely benign for COL4A1-related condition. Last evaluated: 2025-03-05. Review status: criteria provided, single submitter. Criteria: ACMG Guidelines, 2015. Collection method: clinical testing. Allele origin: germline.
Comment: This variant is classified as likely benign based on ACMG/AMP sequence variant interpretation guidelines (Richards et al. 2015 PMID: 25741868, with internal and published modifications).

Blueprint Genetics
Classification: Likely benign. Last evaluated: 2024-11-19. Review status: criteria provided, single submitter. Criteria: ACMG Guidelines, 2015. Collection method: clinical testing. Allele origin: germline.

Illumina Laboratory Services, Illumina
Classification: Benign for Brain small vessel disease 1 with or without ocular anomalies. Last evaluated: 2018-01-13. Review status: criteria provided, single submitter. Criteria: ICSL Variant Classification Criteria 13 December 2019. Collection method: clinical testing. Allele origin: germline.
Comment: This variant was observed in the ICSL laboratory as part of a predisposition screen in an ostensibly healthy population. It had not been previously curated by ICSL or reported in the Human Gene Mutation Database (HGMD: prior to June 1st, 2018), and was therefore a candidate for classification through an automated scoring system. Utilizing variant allele frequency, disease prevalence and penetrance estimates, and inheritance mode, an automated score was calculated to assess if this variant is too frequent to cause the disease. Based on the score and internal cut-off values, a variant classified as benign is not then subjected to further curation. The score for this variant resulted in a classification of benign for this disease.

Illumina Laboratory Services, Illumina
Classification: Benign for Autosomal dominant familial hematuria-retinal arteriolar tortuosity-contractures syndrome. Last evaluated: 2018-01-13. Review status: criteria provided, single submitter. Criteria: ICSL Variant Classification Criteria 13 December 2019. Collection method: clinical testing. Allele origin: germline.
Comment: the same text as in the submission from Illumina Laboratory Services, Illumina above.